The following is an entry in ClinVar:

NM_000321.3(RB1):c.908T>G (p.Leu303Arg)

Gene: RB1 (RB transcriptional corepressor 1; plus strand). Cytogenetic location: 13q14.2.
Variant type: single nucleotide variant.
Coding change: c.908T>G on transcript NM_000321.3 (MANE Select); coding-DNA position 908, T replaced by G.
Protein change: p.Leu303Arg; replaces leucine 303 with arginine.
Molecular consequence: missense variant.
Genome position (GRCh38, 1-based): chr13:48,364,940, T>G. VCF-style: chr13-48364940-T-G. GRCh37 (hg19) VCF-style: chr13-48939076-T-G.
Other names: short protein forms L303R.
Identifiers: ClinVar variation 823002 (VCV000823002.15), dbSNP rs900955797, ClinGen allele CA388160003.
Genomic context (GRCh38, chr13:48,364,940, plus strand): 5'-TTCATCTTTTTCAGGTGAAAAATGTTTATTTCAAAAATTTTATACCTTTTATGAATTCTC[T>G]TGGACTTGTAACATCTAATGGACTTCCAGAGGTAATCTGAAAGGAAATTTAATAAAATAT-3'
Protein context (NP_000312.2, residues 293-313): FKNFIPFMNS[Leu303Arg]GLVTSNGLPE

ClinVar aggregate classification (germline): Uncertain significance. Review status: criteria provided, multiple submitters, no conflicts (2 of 4 stars). 2 submissions from 2 submitters: Uncertain significance (2). Last evaluated 2025-01-06.

Conditions:
Retinoblastoma (RB1). Also called: RETINOBLASTOMA, SOMATIC. Identifiers: Orphanet 790, MedGen C0035335, MeSH D012175, MONDO:0008380, OMIM 180200, HP:0009919. Disease mechanism: loss of function. Inheritance: Both sporadic and heritable forms are tested..
Hereditary cancer-predisposing syndrome. Also called: Tumor predisposition; Hereditary Cancer Syndrome; Neoplastic Syndromes, Hereditary; Hereditary neoplastic syndrome. Identifiers: Orphanet 140162, MedGen C0027672, MeSH D009386, MONDO:0015356.

Submissions (2):

Ambry Genetics
Classification: Uncertain significance for Hereditary cancer-predisposing syndrome. Last evaluated: 2025-01-06. Review status: criteria provided, single submitter. Criteria: Ambry Variant Classification Scheme 2023. Collection method: clinical testing. Allele origin: germline.
Comment: The p.L303R variant (also known as c.908T>G), located in coding exon 9 of the RB1 gene, results from a T to G substitution at nucleotide position 908. The leucine at codon 303 is replaced by arginine, an amino acid with dissimilar properties. This amino acid position is well conserved in available vertebrate species. In addition, the in silico prediction for this alteration is inconclusive. Since supporting evidence is limited at this time, the clinical significance of this alteration remains unclear.

Labcorp Genetics (formerly Invitae), Labcorp
Classification: Uncertain significance for Retinoblastoma. Last evaluated: 2022-10-19. Review status: criteria provided, single submitter. Criteria: Invitae Variant Classification Sherloc (09022015). Collection method: clinical testing. Allele origin: germline.
Comment: In summary, the available evidence is currently insufficient to determine the role of this variant in disease. Therefore, it has been classified as a Variant of Uncertain Significance. Advanced modeling of protein sequence and biophysical properties (such as structural, functional, and spatial information, amino acid conservation, physicochemical variation, residue mobility, and thermodynamic stability) performed at Invitae indicates that this missense variant is not expected to disrupt RB1 protein function. ClinVar contains an entry for this variant (Variation ID: 823002). This variant has not been reported in the literature in individuals affected with RB1-related conditions. This variant is not present in population databases (gnomAD no frequency). This sequence change replaces leucine, which is neutral and non-polar, with arginine, which is basic and polar, at codon 303 of the RB1 protein (p.Leu303Arg).